The following is an entry in ClinVar:

ClinVar aggregate classification (germline): Likely benign. Review status: criteria provided, multiple submitters, no conflicts (2 of 4 stars). 2 submissions from 2 submitters: Likely benign (2). Last evaluated 2024-02-01.

Allele frequency attached by ClinVar (database versions not stated): ExAC 0.00008; ESP Exome Variant Server 0.00008; gnomAD exomes 0.00008; TOPMed 0.00009; gnomAD 0.00011 and 0.00012.
gnomAD v4.1: 261 of 1,611,028 alleles (0.016%); highest among the groups gnomAD compares: Non-Finnish European, 0.021%; no homozygotes.

Submissions (2):

CeGaT Center for Human Genetics Tuebingen
Classification: Likely benign. Last evaluated: 2024-02-01. Review status: criteria provided, single submitter. Criteria: CeGaT Center For Human Genetics Tuebingen Variant Classification Criteria Version 2. Collection method: clinical testing. Allele origin: germline. Affected: yes. Observed: 1 variant allele.
Comment: BRF1: BP4, BP7

Labcorp Genetics (formerly Invitae), Labcorp
Classification: Likely benign. Last evaluated: 2018-03-29. Review status: criteria provided, single submitter. Criteria: Invitae Variant Classification Sherloc (09022015). Collection method: clinical testing. Allele origin: germline.

NM_001519.4(BRF1):c.1890G>A (p.Glu630=)

Gene: BRF1 (BRF1 general transcription factor IIIB subunit; minus strand). Cytogenetic location: 14q32.33.
Variant type: single nucleotide variant.
Coding change: c.1890G>A on transcript NM_001519.4 (MANE Select); coding-DNA position 1890, G replaced by A.
Protein change: p.Glu630=; no amino-acid change (glutamic acid 630 retained).
Molecular consequence: synonymous variant.
Genome position (GRCh38, 1-based): chr14:105,211,228, C>T on the plus strand (G>A on the coding strand, the complement: BRF1 is on the minus strand). VCF-style: chr14-105211228-C-T. GRCh37 (hg19) VCF-style: chr14-105677565-C-T.
Other names: c.1611G>A, p.Glu537= (NM_001242786.2); c.1545G>A, p.Glu515= (NM_001242787.2); c.1809G>A, p.Glu603= (NM_001242788.2); c.1176G>A, p.Glu392= (NM_001242789.2); c.1278G>A, p.Glu426= (NM_145685.3).
Identifiers: ClinVar variation 725999 (VCV000725999.25), dbSNP rs143441514, ClinGen allele CA7386931.
Genomic context (GRCh38, chr14:105,211,228, plus strand): 5'-CTCCTCGTCAGGCTCCTCCTCGTCAGCCTCCTCGTCGGCGTGGTATGACACGGGCCCGCT[C>T]TCCACCAGCACCGCCTGGGGCCTGGCAGGCTCAGCTCCGAGGGTGGGAGAGCTTGGGAGC-3'
Protein context (NP_001510.2, residues 620-640): EPARPQAVLV[Glu630=]SGPVSYHADE